The following is an entry in ClinVar:

ClinVar aggregate classification (germline): Uncertain significance (1 of 4 stars; one submission).

Conditions:
Dilated cardiomyopathy 1W (CMD1W). Identifiers: Orphanet 154, MedGen C1969639, MONDO:0012667, OMIM 611407.

Allele frequency attached by ClinVar (database versions not stated): gnomAD exomes below 0.00001.
gnomAD v4.1: 2 of 1,614,040 alleles (0.00012%); highest among the groups gnomAD compares: African/African-American, 0.0027%; no homozygotes.

Submission:

Labcorp Genetics (formerly Invitae), Labcorp
Classification: Uncertain significance for Dilated cardiomyopathy 1W. Last evaluated: 2024-04-04. Review status: criteria provided, single submitter. Criteria: Invitae Variant Classification Sherloc (09022015). Collection method: clinical testing. Allele origin: germline.
Comment: This sequence change replaces methionine, which is neutral and non-polar, with threonine, which is neutral and polar, at codon 327 of the VCL protein (p.Met327Thr). This variant is not present in population databases (gnomAD no frequency). This variant has not been reported in the literature in individuals affected with VCL-related conditions. An algorithm developed to predict the effect of missense changes on protein structure and function (PolyPhen-2) suggests that this variant is likely to be tolerated. In summary, the available evidence is currently insufficient to determine the role of this variant in disease. Therefore, it has been classified as a Variant of Uncertain Significance.

NM_014000.3(VCL):c.980T>C (p.Met327Thr)

Gene: VCL (vinculin; plus strand). Cytogenetic location: 10q22.2.
Variant type: single nucleotide variant.
Coding change: c.980T>C on transcript NM_014000.3 (MANE Select); coding-DNA position 980, T replaced by C.
Protein change: p.Met327Thr; replaces methionine 327 with threonine.
Molecular consequence: missense variant.
Genome position (GRCh38, 1-based): chr10:74,083,471, T>C. VCF-style: chr10-74083471-T-C. GRCh37 (hg19) VCF-style: chr10-75843229-T-C.
Other names: c.980T>C, p.Met327Thr (NM_003373.4); short protein forms M327T.
Identifiers: ClinVar variation 2996573 (VCV002996573.3), dbSNP rs2549219081, ClinGen allele CA377270616.